The following is an entry in ClinVar:

ClinVar aggregate classification (germline): Uncertain significance. Review status: criteria provided, multiple submitters, no conflicts (2 of 4 stars). 2 submissions from 2 submitters: Uncertain significance (2). Last evaluated 2024-03-21.

Allele frequency attached by ClinVar (database versions not stated): gnomAD 0.00003 and 0.00004; TOPMed 0.00003; gnomAD exomes 0.00004 and 0.00008; ESP Exome Variant Server 0.00008; ExAC 0.00015.
gnomAD v4.1: 60 of 1,589,806 alleles (0.0038%); highest among the groups gnomAD compares: Non-Finnish European, 0.0037%; no homozygotes.

Submissions (2):

Labcorp Genetics (formerly Invitae), Labcorp
Classification: Uncertain significance. Last evaluated: 2024-03-21. Review status: criteria provided, single submitter. Criteria: Invitae Variant Classification Sherloc (09022015). Collection method: clinical testing. Allele origin: germline.
Comment: This sequence change replaces valine, which is neutral and non-polar, with methionine, which is neutral and non-polar, at codon 46 of the ITGAM protein (p.Val46Met). This variant is present in population databases (rs368901155, gnomAD 0.03%). This variant has not been reported in the literature in individuals affected with ITGAM-related conditions. ClinVar contains an entry for this variant (Variation ID: 1362383). An algorithm developed to predict the effect of missense changes on protein structure and function (PolyPhen-2) suggests that this variant is likely to be tolerated. In summary, the available evidence is currently insufficient to determine the role of this variant in disease. Therefore, it has been classified as a Variant of Uncertain Significance.

Ambry Genetics
Classification: Uncertain significance. Last evaluated: 2022-12-15. Review status: criteria provided, single submitter. Criteria: Ambry Variant Classification Scheme 2023. Collection method: clinical testing. Allele origin: germline.

NM_000632.4(ITGAM):c.136G>A (p.Val46Met)

Genes: ITGAM (integrin subunit alpha M; plus strand), LOC126862331 (P300/CBP strongly-dependent group 1 enhancer GRCh37_chr16:31276375-31277574; plus strand). Cytogenetic location: 16p11.2.
Variant type: single nucleotide variant.
Coding change: c.136G>A on transcript NM_000632.4 (MANE Select); coding-DNA position 136, G replaced by A.
Protein change: p.Val46Met; replaces valine 46 with methionine.
Molecular consequence: missense variant.
Genome position (GRCh38, 1-based): chr16:31,265,396, G>A. VCF-style: chr16-31265396-G-A. GRCh37 (hg19) VCF-style: chr16-31276717-G-A.
Other names: c.136G>A, p.Val46Met (NM_001145808.2); c.136G>A (NM_000632.3); short protein forms V46M.
Identifiers: ClinVar variation 1362383 (VCV001362383.9), dbSNP rs368901155, ClinGen allele CA8025134.